The following is an entry in ClinVar:

ClinVar aggregate classification (germline): Conflicting classifications of pathogenicity. Review status: criteria provided, conflicting classifications (1 of 4 stars). 2 submissions from 2 submitters: Uncertain significance (1); Likely benign (1). Last evaluated 2025-03-26.

Conditions:
Immunodeficiency 104. Also called: SCID, AUTOSOMAL RECESSIVE, T CELL-NEGATIVE, B CELL-POSITIVE, NK CELL-POSITIVE; IMMUNODEFICIENCY 104, SEVERE COMBINED; Severe combined immunodeficiency, autosomal recessive, T cell-negative, B cell-positive, NK cell-positive; Severe Combined Immune Deficiency, Autosomal Recessive, TCell -Negative, B Cell-Positive, NK Cell-Positive, IL7R-Related. Identifiers: MedGen C5676890, MONDO:0012163, OMIM 608971.
Inborn genetic diseases. Identifiers: MedGen C0950123, MeSH D030342.

Allele frequency attached by ClinVar (database versions not stated): gnomAD exomes below 0.00001; ExAC 0.00001; gnomAD 0.00001.
gnomAD v4.1: 2 of 1,613,298 alleles (0.00012%); highest among the groups gnomAD compares: Admixed American, 0.0017%; no homozygotes.

Submissions (2):

Ambry Genetics
Classification: Likely benign for Inborn genetic diseases. Last evaluated: 2025-03-26. Review status: criteria provided, single submitter. Criteria: Ambry Variant Classification Scheme 2023. Collection method: clinical testing. Allele origin: germline.

Labcorp Genetics (formerly Invitae), Labcorp
Classification: Uncertain significance for Immunodeficiency 104. Last evaluated: 2021-08-31. Review status: criteria provided, single submitter. Criteria: Invitae Variant Classification Sherloc (09022015). Collection method: clinical testing. Allele origin: germline.
Comment: This sequence change replaces alanine with serine at codon 1203 of the PTPRC protein (p.Ala1203Ser). The alanine residue is weakly conserved and there is a moderate physicochemical difference between alanine and serine. This variant is present in population databases (rs779568827, ExAC 0.009%). This variant has not been reported in the literature in individuals affected with PTPRC-related conditions. Algorithms developed to predict the effect of missense changes on protein structure and function output the following: SIFT: "Tolerated"; PolyPhen-2: "Benign"; Align-GVGD: "Class C0". The serine amino acid residue is found in multiple mammalian species, which suggests that this missense change does not adversely affect protein function. In summary, the available evidence is currently insufficient to determine the role of this variant in disease. Therefore, it has been classified as a Variant of Uncertain Significance.

NM_002838.5(PTPRC):c.3607G>T (p.Ala1203Ser)

Gene: PTPRC (protein tyrosine phosphatase receptor type C; plus strand). Cytogenetic location: 1q32.1.
Variant type: single nucleotide variant.
Coding change: c.3607G>T on transcript NM_002838.5 (MANE Select); coding-DNA position 3607, G replaced by T.
Protein change: p.Ala1203Ser; replaces alanine 1203 with serine.
Molecular consequence: missense variant.
Genome position (GRCh38, 1-based): chr1:198,754,366, G>T. VCF-style: chr1-198754366-G-T. GRCh37 (hg19) VCF-style: chr1-198723495-G-T.
Other names: c.3601G>T (NM_002838.3); c.3124G>T, p.Ala1042Ser (NM_080921.4); short protein forms A1042S, A1203S.
Identifiers: ClinVar variation 644001 (VCV000644001.7), dbSNP rs779568827, ClinGen allele CA1315494.